The following is an entry in ClinVar:

NM_001190274.2(FBXO11):c.1076A>G (p.Asn359Ser)

Genes: FBXO11 (F-box protein 11; minus strand), MSH6 (mutS homolog 6; plus strand). Cytogenetic location: 2p16.3.
Variant type: single nucleotide variant.
Coding change: c.1076A>G on transcript NM_001190274.2 (MANE Select); coding-DNA position 1076, A replaced by G.
Protein change: p.Asn359Ser; replaces asparagine 359 with serine.
Molecular consequence: missense variant.
Genome position (GRCh38, 1-based): chr2:47,832,846, T>C on the plus strand (A>G on the coding strand, the complement: FBXO11 is on the minus strand). VCF-style: chr2-47832846-T-C. GRCh37 (hg19) VCF-style: chr2-48059985-T-C.
Other names: c.1076A>G (NM_001190274.1); c.824A>G, p.Asn275Ser (NM_001374325.1, NM_025133.4); short protein forms N275S, N359S.
Identifiers: ClinVar variation 801712 (VCV000801712.3), dbSNP rs1572806551, ClinGen allele CA346765913.

ClinVar aggregate classification (germline): Uncertain significance. Review status: criteria provided, multiple submitters, no conflicts (2 of 4 stars). 3 submissions from 3 submitters: Uncertain significance (3). Last evaluated 2025-07-23.

Conditions:
Lynch syndrome 5 (LYNCH5). Also called: Colorectal cancer, hereditary nonpolyposis, type 5; Hereditary non-polyposis colorectal cancer, type 5. Identifiers: Orphanet 144, MedGen C1833477, MONDO:0013710, OMIM 614350. Disease mechanism: loss of function.

Allele frequency attached by ClinVar (database versions not stated): gnomAD exomes below 0.00001.
gnomAD v4.1: 2 of 1,614,044 alleles (0.00012%); highest among the groups gnomAD compares: Non-Finnish European, 0.00017%; no homozygotes.

Submissions (3):

GeneDx
Classification: Uncertain significance. Last evaluated: 2025-07-23. Review status: criteria provided, single submitter. Criteria: GeneDx Variant Classification Process June 2021. Collection method: clinical testing. Allele origin: germline. Affected: yes.
Comment: Not observed at significant frequency in large population cohorts (gnomAD); In silico analysis suggests that this missense variant does not alter protein structure/function; Has not been previously published as pathogenic or benign to our knowledge

Women's Health and Genetics/Laboratory Corporation of America, LabCorp
Classification: Uncertain significance. Last evaluated: 2024-04-12. Review status: criteria provided, single submitter. Criteria: LabCorp Variant Classification Summary - May 2015. Collection method: clinical testing. Allele origin: germline.
Comment: Variant summary: FBXO11 c.1076A>G (p.Asn359Ser) results in a conservative amino acid change in the encoded protein sequence. Three of four in-silico tools predict a benign effect of the variant on protein function. The variant was absent in 251376 control chromosomes. The available data on variant occurrences in the general population are insufficient to allow any conclusion about variant significance. To our knowledge, no occurrence of c.1076A>G in individuals affected with Intellectual Developmental Disorder With Dysmorphic Facies And Behavioral Abnormalities and no experimental evidence demonstrating its impact on protein function have been reported. ClinVar contains an entry for this variant (Variation ID: 801712). Based on the evidence outlined above, the variant was classified as uncertain significance.

Mendelics
Classification: Uncertain significance for Lynch syndrome 5. Last evaluated: 2019-05-28. Review status: criteria provided, single submitter. Criteria: Mendelics Assertion Criteria 2017. Collection method: clinical testing. Allele origin: unknown.